The following is an entry in ClinVar:

NM_201384.3(PLEC):c.3650A>G (p.Asp1217Gly)

Gene: PLEC (plectin; minus strand). Cytogenetic location: 8q24.3.
Variant type: single nucleotide variant.
Coding change: c.3650A>G on transcript NM_201384.3 (MANE Select); coding-DNA position 3650, A replaced by G.
Protein change: p.Asp1217Gly; replaces aspartic acid 1217 with glycine.
Molecular consequence: missense variant.
Genome position (GRCh38, 1-based): chr8:143,927,516, T>C on the plus strand (A>G on the coding strand, the complement: PLEC is on the minus strand). VCF-style: chr8-143927516-T-C. GRCh37 (hg19) VCF-style: chr8-145001684-T-C.
Other names: c.3731A>G, p.Asp1244Gly (NM_000445.5, NM_001410941.1); c.3608A>G, p.Asp1203Gly (NM_201378.4); c.3584A>G, p.Asp1195Gly (NM_201379.3); c.4061A>G, p.Asp1354Gly (NM_201380.4); c.3554A>G, p.Asp1185Gly (NM_201381.3); c.3650A>G, p.Asp1217Gly (NM_201382.4); c.3662A>G, p.Asp1221Gly (NM_201383.3); short protein forms D1195G, D1221G, D1244G, D1354G, D1185G, D1203G, D1217G.
Identifiers: ClinVar variation 2937953 (VCV002937953.3), dbSNP rs2538282511, ClinGen allele CA372565237.

ClinVar aggregate classification (germline): Uncertain significance (1 of 4 stars; one submission).

Conditions:
Epidermolysis bullosa simplex with nail dystrophy (EBS5D). Identifiers: MedGen C4225309, MONDO:0014661, OMIM 616487.
Epidermolysis bullosa simplex 5C, with pyloric atresia (EBS5C). Also called: PLEC-Related Epidermolysis Bullosa with Pyloric Atresia; Epidermolysis bullosa simplex with pyloric atresia; PLEC1-Related Epidermolysis Bullosa with Pyloric Atresia. Identifiers: Orphanet 158684, MedGen C2677349, MONDO:0012807, OMIM 612138.
Autosomal recessive limb-girdle muscular dystrophy type 2Q (LGMDR17). Also called: MUSCULAR DYSTROPHY, LIMB-GIRDLE, AUTOSOMAL RECESSIVE 17. Identifiers: Orphanet 254361, MedGen C3150989, MONDO:0013390, OMIM 613723.
Epidermolysis bullosa simplex, Ogna type (EBS5A). Also called: Pidermolysis bullosa simplex 5A, Ogna type; EPIDERMOLYSIS BULLOSA SIMPLEX 5A, OGNA TYPE. Identifiers: Orphanet 79401, MedGen C0432317, MONDO:0007555, OMIM 131950.
Epidermolysis bullosa simplex 5B, with muscular dystrophy (EBS5B). Also called: EPIDERMOLYSIS BULLOSA SIMPLEX AND LIMB-GIRDLE MUSCULAR DYSTROPHY; Epidermolysis bullosa simplex with muscular dystrophy. Identifiers: Orphanet 257, MedGen C2931072, MONDO:0009181, OMIM 226670.

Allele frequency attached by ClinVar (database versions not stated): gnomAD exomes below 0.00001.
gnomAD v4.1: 3 of 1,597,358 alleles (0.00019%); highest among the groups gnomAD compares: South Asian, 0.0011%; no homozygotes.

Submission:

Labcorp Genetics (formerly Invitae), Labcorp
Classification: Uncertain significance for Autosomal recessive limb-girdle muscular dystrophy type 2Q; Epidermolysis bullosa simplex, Ogna type; Epidermolysis bullosa simplex with nail dystrophy; Epidermolysis bullosa simplex 5C, with pyloric atresia; Epidermolysis bullosa simplex 5B, with muscular dystrophy. Last evaluated: 2023-05-11. Review status: criteria provided, single submitter. Criteria: Invitae Variant Classification Sherloc (09022015). Collection method: clinical testing. Allele origin: germline.
Comment: Advanced modeling of protein sequence and biophysical properties (such as structural, functional, and spatial information, amino acid conservation, physicochemical variation, residue mobility, and thermodynamic stability) performed at Invitae indicates that this missense variant is not expected to disrupt PLEC protein function. In summary, the available evidence is currently insufficient to determine the role of this variant in disease. Therefore, it has been classified as a Variant of Uncertain Significance. This sequence change replaces aspartic acid, which is acidic and polar, with glycine, which is neutral and non-polar, at codon 1244 of the PLEC protein (p.Asp1244Gly). This variant is not present in population databases (gnomAD no frequency). This variant has not been reported in the literature in individuals affected with PLEC-related conditions.